The following is an entry in ClinVar:

NM_006662.3(SRCAP):c.2846T>C (p.Ile949Thr)

Gene: SRCAP (Snf2 related CREBBP activator protein; plus strand). Cytogenetic location: 16p11.2.
Variant type: single nucleotide variant.
Coding change: c.2846T>C on transcript NM_006662.3 (MANE Select); coding-DNA position 2846, T replaced by C.
Protein change: p.Ile949Thr; replaces isoleucine 949 with threonine.
Molecular consequence: missense variant.
Genome position (GRCh38, 1-based): chr16:30,720,190, T>C. VCF-style: chr16-30720190-T-C. GRCh37 (hg19) VCF-style: chr16-30731511-T-C.
Other names: c.2846T>C (NM_006662.2); short protein forms I949T.
Identifiers: ClinVar variation 2975411 (VCV002975411.4), dbSNP rs1354091575, ClinGen allele CA395612056.

ClinVar aggregate classification (germline): Uncertain significance. Review status: criteria provided, multiple submitters, no conflicts (2 of 4 stars). 2 submissions from 2 submitters: Uncertain significance (2). Last evaluated 2026-01-09.

Conditions:
Inborn genetic diseases. Identifiers: MedGen C0950123, MeSH D030342.

Allele frequency attached by ClinVar (database versions not stated): TOPMed below 0.00001; 1000 Genomes Project 30x 0.00016; gnomAD exomes below 0.00001.

Submissions (2):

Ambry Genetics
Classification: Uncertain significance for Inborn genetic diseases. Last evaluated: 2026-01-09. Review status: criteria provided, single submitter. Criteria: Ambry Variant Classification Scheme 2023. Collection method: clinical testing. Allele origin: germline.
Comment: The c.2846T>C (p.I949T) alteration is located in exon 19 (coding exon 17) of the SRCAP gene. This alteration results from a T to C substitution at nucleotide position 2846, causing the isoleucine (I) at amino acid position 949 to be replaced by a threonine (T). Based on data from gnomAD, the C allele has an overall frequency of <0.001% (1/251268) total alleles studied. The highest observed frequency was 0.001% (1/113674) of European (non-Finnish) alleles. Based on insufficient or conflicting evidence, the clinical significance of this alteration remains unclear.

Labcorp Genetics (formerly Invitae), Labcorp
Classification: Uncertain significance. Last evaluated: 2023-11-19. Review status: criteria provided, single submitter. Criteria: Invitae Variant Classification Sherloc (09022015). Collection method: clinical testing. Allele origin: germline.
Comment: This sequence change replaces isoleucine, which is neutral and non-polar, with threonine, which is neutral and polar, at codon 949 of the SRCAP protein (p.Ile949Thr). This variant is present in population databases (no rsID available, gnomAD 0.0009%). This variant has not been reported in the literature in individuals affected with SRCAP-related conditions. Advanced modeling of protein sequence and biophysical properties (such as structural, functional, and spatial information, amino acid conservation, physicochemical variation, residue mobility, and thermodynamic stability) performed at Invitae indicates that this missense variant is not expected to disrupt SRCAP protein function with a negative predictive value of 80%. In summary, the available evidence is currently insufficient to determine the role of this variant in disease. Therefore, it has been classified as a Variant of Uncertain Significance.